The following is an entry in ClinVar:

ClinVar aggregate classification (germline): Uncertain significance (1 of 4 stars; one submission).

Allele frequency attached by ClinVar (database versions not stated): gnomAD 0.00001; TOPMed 0.00001; ExAC 0.00002; gnomAD exomes 0.00002; 1000 Genomes Project 30x 0.00016; 1000 Genomes Project 0.00020.
gnomAD v4.1: 35 of 1,613,888 alleles (0.0022%); highest among the groups gnomAD compares: Admixed American, 0.005%; no homozygotes.

Submission:

Labcorp Genetics (formerly Invitae), Labcorp
Classification: Uncertain significance. Last evaluated: 2022-08-16. Review status: criteria provided, single submitter. Criteria: Invitae Variant Classification Sherloc (09022015). Collection method: clinical testing. Allele origin: germline.
Comment: In summary, the available evidence is currently insufficient to determine the role of this variant in disease. Therefore, it has been classified as a Variant of Uncertain Significance. Algorithms developed to predict the effect of missense changes on protein structure and function are either unavailable or do not agree on the potential impact of this missense change (SIFT: "Deleterious"; PolyPhen-2: "Not Available"; Align-GVGD: "Class C0"). ClinVar contains an entry for this variant (Variation ID: 1489123). This variant has not been reported in the literature in individuals affected with PCLO-related conditions. This variant is present in population databases (rs577491714, gnomAD 0.006%). This sequence change replaces glutamic acid, which is acidic and polar, with lysine, which is basic and polar, at codon 1700 of the PCLO protein (p.Glu1700Lys).

NM_033026.6(PCLO):c.5098G>A (p.Glu1700Lys)

Gene: PCLO (piccolo presynaptic cytomatrix protein; minus strand). Cytogenetic location: 7q21.11.
Variant type: single nucleotide variant.
Coding change: c.5098G>A on transcript NM_033026.6 (MANE Select); coding-DNA position 5098, G replaced by A.
Protein change: p.Glu1700Lys; replaces glutamic acid 1700 with lysine.
Molecular consequence: missense variant.
Genome position (GRCh38, 1-based): chr7:82,955,855, C>T on the plus strand (G>A on the coding strand, the complement: PCLO is on the minus strand). VCF-style: chr7-82955855-C-T. GRCh37 (hg19) VCF-style: chr7-82585171-C-T.
Other names: c.5098G>A, p.Glu1700Lys (NM_014510.3); short protein forms E1700K.
Identifiers: ClinVar variation 1489123 (VCV001489123.4), dbSNP rs577491714, ClinGen allele CA4320705.